The following is an entry in ClinVar:

ClinVar aggregate classification (germline): Pathogenic (1 of 4 stars; one submission).

Conditions:
Hereditary diffuse gastric adenocarcinoma (HDGC). Also called: DIFFUSE GASTRIC AND LOBULAR BREAST CANCER SYNDROME. Identifiers: Orphanet 26106, MedGen C1708349, MONDO:0007648, OMIM 137215.

Submission:

Myriad Genetics, Inc.
Classification: Pathogenic for Hereditary diffuse gastric adenocarcinoma. Last evaluated: 2023-06-08. Review status: criteria provided, single submitter. Criteria: Myriad Autosomal Dominant, Autosomal Recessive and X-Linked Classification Criteria (2023). Collection method: clinical testing. Allele origin: unknown.
Comment: This variant is considered pathogenic. This variant creates a frameshift predicted to result in premature protein truncation.

NM_004360.5(CDH1):c.81del (p.Cys28fs)

Gene: CDH1 (cadherin 1; plus strand). Cytogenetic location: 16q22.1.
Variant type: Deletion.
Coding change: c.81del on transcript NM_004360.5 (MANE Select); coding-DNA position 81, one base deleted (C; older notation c.81delC).
Protein change: p.Cys28fs; shifts the reading frame from cysteine 28.
Molecular consequence: frameshift variant. On other transcripts: 5 prime UTR variant (2).
Genome position (GRCh38, 1-based): chr16:68,738,329, C deleted; the last of 3 consecutive C bases (chr16:68,738,327-68,738,329); deleting any one gives the same sequence. VCF-style (leftmost placement, unchanged base first): chr16-68738326-GC-G. GRCh37 (hg19) VCF-style: chr16-68772229-GC-G.
Other names: c.81del, p.Cys28fs (NM_001317184.2); c.-1535del (NM_001317185.2); c.-1739del (NM_001317186.2); short protein forms C28fs.
Identifiers: ClinVar variation 2583212 (VCV002583212.2), dbSNP rs2543816722, ClinGen allele CA645569991.